The following is an entry in ClinVar:

ClinVar aggregate classification (germline): Uncertain significance. Review status: criteria provided, multiple submitters, no conflicts (2 of 4 stars). 2 submissions from 2 submitters: Uncertain significance (2). Last evaluated 2025-11-29.

Conditions:
Isolated growth hormone deficiency, type 4. Also called: ISOLATED GROWTH HORMONE DEFICIENCY, TYPE IV; DWARFISM OF SINDH. Identifiers: Orphanet 684247, MedGen C4722273, MONDO:0032567, OMIM 618157.

Allele frequency attached by ClinVar (database versions not stated): TOPMed 0.00001.

Submissions (2):

3billion
Classification: Uncertain significance for Isolated growth hormone deficiency, type 4. Last evaluated: 2025-11-29. Review status: criteria provided, single submitter. Criteria: ACMG Guidelines, 2015. Collection method: clinical testing. Allele origin: germline. Affected: yes.
Comment: The variant is not observed in the gnomAD v4.1.0 dataset. Predicted Consequence/Location: Missense variant In silico tool predictions suggest damaging effect of the variant on gene or gene product [REVEL: 0.68 (>=0.6, sensitivity 0.68 and specificity 0.92)]. The variant has been reported as of uncertain significance (ClinVar ID: VCV001945838). Therefore, this variant is classified as VUS according to the recommendation of ACMG/AMP guideline.

Labcorp Genetics (formerly Invitae), Labcorp
Classification: Uncertain significance. Last evaluated: 2022-08-15. Review status: criteria provided, single submitter. Criteria: Invitae Variant Classification Sherloc (09022015). Collection method: clinical testing. Allele origin: germline.
Comment: Algorithms developed to predict the effect of missense changes on protein structure and function (SIFT, PolyPhen-2, Align-GVGD) all suggest that this variant is likely to be disruptive. This sequence change replaces glycine, which is neutral and non-polar, with glutamic acid, which is acidic and polar, at codon 251 of the GHRHR protein (p.Gly251Glu). This variant is not present in population databases (gnomAD no frequency). This missense change has been observed in individual(s) with growth hormone deficiency (Invitae). In summary, the available evidence is currently insufficient to determine the role of this variant in disease. Therefore, it has been classified as a Variant of Uncertain Significance.

NM_000823.4(GHRHR):c.752G>A (p.Gly251Glu)

Gene: GHRHR (growth hormone releasing hormone receptor; plus strand). Cytogenetic location: 7p14.3.
Variant type: single nucleotide variant.
Coding change: c.752G>A on transcript NM_000823.4 (MANE Select); coding-DNA position 752, G replaced by A.
Protein change: p.Gly251Glu; replaces glycine 251 with glutamic acid.
Molecular consequence: missense variant.
Genome position (GRCh38, 1-based): chr7:30,974,429, G>A. VCF-style: chr7-30974429-G-A. GRCh37 (hg19) VCF-style: chr7-31014044-G-A.
Other names: short protein forms G251E.
Identifiers: ClinVar variation 1945838 (VCV001945838.6), dbSNP rs1792536994, ClinGen allele CA367154746.
Genomic context (GRCh38, chr7:30,974,429, plus strand): 5'-CCAGATCTCAGAGTCAAGGATGCAGACTCCCTCGCTTGTGTCTTCCCTGTACTCCTGTAG[G>A]GCTGCCCGTGCTCTTCACTGGCACGTGGGTGAGCTGCAAACTGGCCTTCGAGGACATCGC-3'
Protein context (NP_000814.2, residues 241-261): AFWWLVLAGW[Gly251Glu]LPVLFTGTWV